The following is an entry in ClinVar:

ClinVar aggregate classification (germline): Uncertain significance. Review status: criteria provided, multiple submitters, no conflicts (2 of 4 stars). 2 submissions from 2 submitters: Uncertain significance (2). Last evaluated 2025-01-17.

Conditions:
Hereditary cancer-predisposing syndrome. Also called: Neoplastic Syndromes, Hereditary; Tumor predisposition; Hereditary Cancer Syndrome; Hereditary neoplastic syndrome. Identifiers: Orphanet 140162, MedGen C0027672, MeSH D009386, MONDO:0015356.

Submissions (2):

Ambry Genetics
Classification: Uncertain significance for Hereditary cancer-predisposing syndrome. Last evaluated: 2025-01-17. Review status: criteria provided, single submitter. Criteria: Ambry Variant Classification Scheme 2023. Collection method: clinical testing. Allele origin: germline.
Comment: The p.V211E variant (also known as c.632T>A), located in coding exon 7 of the RAD51D gene, results from a T to A substitution at nucleotide position 632. The valine at codon 211 is replaced by glutamic acid, an amino acid with dissimilar properties. This amino acid position is conserved. In addition, this alteration is predicted to be deleterious by in silico analysis. Based on the available evidence, the clinical significance of this variant remains unclear.

Genetic Services Laboratory, University of Chicago
Classification: Uncertain significance. Last evaluated: 2021-10-08. Review status: criteria provided, single submitter. Criteria: ACMG Guidelines, 2015. Collection method: clinical testing. Allele origin: germline. Affected: no.
Comment: DNA sequence analysis of the RAD51D gene demonstrated a sequence change, c.632T>A, in exon 7 that results in an amino acid change, p.Val211Glu. This sequence change does not appear to have been previously described in individuals with RAD51D-related disorders and has also not been described in population databases such as ExAC and gnomAD. The p.Val211Glu change affects a moderately conserved amino acid residue located in a domain of the RAD51D protein that is known to be functional. In-silico pathogenicity prediction tools (SIFT, PolyPhen2, Align GVGD, REVEL) provide contradictory results for the p.Val211Glu substitution. Due to insufficient evidences and the lack of functional studies, the clinical significance of the p.Val211Glu change remains unknown at this time.

NM_002878.4(RAD51D):c.632T>A (p.Val211Glu)

Genes: RAD51D (RAD51 paralog D; minus strand), RAD51L3-RFFL (RAD51L3-RFFL readthrough; minus strand). Cytogenetic location: 17q12.
Variant type: single nucleotide variant.
Coding change: c.632T>A on transcript NM_002878.4 (MANE Select); coding-DNA position 632, T replaced by A.
Protein change: p.Val211Glu; replaces valine 211 with glutamic acid.
Molecular consequence: missense variant. On other transcripts: non-coding transcript variant (3).
Genome position (GRCh38, 1-based): chr17:35,103,489, A>T on the plus strand (T>A on the coding strand, the complement: RAD51D is on the minus strand). VCF-style: chr17-35103489-A-T. GRCh37 (hg19) VCF-style: chr17-33430508-A-T.
Other names: c.692T>A, p.Val231Glu (NM_001142571.2); c.296T>A, p.Val99Glu (NM_133629.3); short protein forms V211E, V231E, V99E.
Identifiers: ClinVar variation 1338118 (VCV001338118.5), dbSNP rs2142420542, ClinGen allele CA399087895.